The following is an entry in ClinVar:

ClinVar aggregate classification (germline): Likely benign (1 of 4 stars; one submission).

Submission:

CeGaT Center for Human Genetics Tuebingen
Classification: Likely benign. Last evaluated: 2025-08-01. Review status: criteria provided, single submitter. Criteria: CeGaT Center For Human Genetics Tuebingen Variant Classification Criteria Version 2. Collection method: clinical testing. Allele origin: germline. Affected: yes. Observed: 1 variant allele.
Comment: PTCH1: PM2:Supporting, BP4, BP7

NM_000264.5(PTCH1):c.2559G>A (p.Gln853=)

Genes: PTCH1 (patched 1; minus strand), LOC100507346 (uncharacterized LOC100507346; plus strand). Cytogenetic location: 9q22.32.
Variant type: single nucleotide variant.
Coding change: c.2559G>A on transcript NM_000264.5 (MANE Select); coding-DNA position 2559, G replaced by A.
Protein change: p.Gln853=; no amino-acid change (glutamine 853 retained).
Molecular consequence: synonymous variant. On other transcripts: non-coding transcript variant (2).
Genome position (GRCh38, 1-based): chr9:95,467,117, C>T on the plus strand (G>A on the coding strand, the complement: PTCH1 is on the minus strand). VCF-style: chr9-95467117-C-T. GRCh37 (hg19) VCF-style: chr9-98229399-C-T.
Other names: c.2361G>A, p.Gln787= (NM_001083602.3); c.2556G>A, p.Gln852= (NM_001083603.3); c.2106G>A, p.Gln702= (NM_001083604.3, NM_001083605.3, NM_001083606.3 and 1 more transcripts); c.2403G>A, p.Gln801= (NM_001354918.2).
Identifiers: ClinVar variation 4085024 (VCV004085024.8).